The following is an entry in ClinVar:

ClinVar aggregate classification (germline): Uncertain significance (1 of 4 stars; one submission).

gnomAD v4.1: 4 of 1,613,922 alleles (0.00025%); highest among the groups gnomAD compares: Middle Eastern, 0.033%; no homozygotes.

Submission:

Labcorp Genetics (formerly Invitae), Labcorp
Classification: Uncertain significance. Last evaluated: 2025-02-06. Review status: criteria provided, single submitter. Criteria: Invitae Variant Classification Sherloc (09022015). Collection method: clinical testing. Allele origin: germline.
Comment: This sequence change replaces threonine, which is neutral and polar, with alanine, which is neutral and non-polar, at codon 1513 of the FN1 protein (p.Thr1513Ala). This variant is not present in population databases (gnomAD no frequency). This variant has not been reported in the literature in individuals affected with FN1-related conditions. An algorithm developed to predict the effect of missense changes on protein structure and function (PolyPhen-2) suggests that this variant is likely to be tolerated. In summary, the available evidence is currently insufficient to determine the role of this variant in disease. Therefore, it has been classified as a Variant of Uncertain Significance.

NM_212482.4(FN1):c.4537A>G (p.Thr1513Ala)

Gene: FN1 (fibronectin 1; minus strand). Cytogenetic location: 2q35.
Variant type: single nucleotide variant.
Coding change: c.4537A>G on transcript NM_212482.4 (MANE Select); coding-DNA position 4537, A replaced by G.
Protein change: p.Thr1513Ala; replaces threonine 1513 with alanine.
Molecular consequence: missense variant.
Genome position (GRCh38, 1-based): chr2:215,386,764, T>C on the plus strand (A>G on the coding strand, the complement: FN1 is on the minus strand). VCF-style: chr2-215386764-T-C. GRCh37 (hg19) VCF-style: chr2-216251487-T-C.
Other names: c.4537A>G, p.Thr1513Ala (NM_001306129.2, NM_001306130.2, NM_001365517.2 and 3 more transcripts); c.4264A>G, p.Thr1422Ala (NM_001306131.2, NM_001306132.2, NM_001365518.2 and 7 more transcripts); short protein forms T1422A, T1513A.
Identifiers: ClinVar variation 3728935 (VCV003728935.2).